The following is an entry in ClinVar:

NM_000212.3(ITGB3):c.1650C>T (p.Asp550=)

Gene: ITGB3 (integrin subunit beta 3; plus strand). Cytogenetic location: 17q21.32.
Variant type: single nucleotide variant.
Coding change: c.1650C>T on transcript NM_000212.3 (MANE Select); coding-DNA position 1650, C replaced by T.
Protein change: p.Asp550=; no amino-acid change (aspartic acid 550 retained).
Molecular consequence: synonymous variant.
Genome position (GRCh38, 1-based): chr17:47,292,528, C>T. VCF-style: chr17-47292528-C-T. GRCh37 (hg19) VCF-style: chr17-45369894-C-T.
Identifiers: ClinVar variation 1336727 (VCV001336727.10), dbSNP rs376429975, ClinGen allele CA8623302.

ClinVar aggregate classification (germline): Likely benign. Review status: criteria provided, multiple submitters, no conflicts (2 of 4 stars). 4 submissions from 4 submitters: Likely benign (3). 1 of the submissions does not count toward it. Last evaluated 2026-01-22.

Conditions:
ITGB3-related disorder. Also called: ITGB3-related condition.

Allele frequency attached by ClinVar (database versions not stated): gnomAD exomes 0.00001 and 0.00005; ExAC 0.00003; gnomAD 0.00005 and 0.00006; TOPMed 0.00006.
gnomAD v4.1: 67 of 1,603,926 alleles (0.0042%); highest among the groups gnomAD compares: East Asian, 0.025%; no homozygotes.

Submissions (4):

Labcorp Genetics (formerly Invitae), Labcorp
Classification: Likely benign. Last evaluated: 2026-01-22. Review status: criteria provided, single submitter. Criteria: Invitae Variant Classification Sherloc (09022015). Collection method: clinical testing. Allele origin: germline.

Blueprint Genetics
Classification: Likely benign. Last evaluated: 2024-10-21. Review status: criteria provided, single submitter. Criteria: ACMG Guidelines, 2015. Collection method: clinical testing. Allele origin: germline.

Genetic Services Laboratory, University of Chicago
Classification: Likely benign. Last evaluated: 2018-06-12. Review status: criteria provided, single submitter. Criteria: ACMG Guidelines, 2015. Collection method: clinical testing. Allele origin: germline. Affected: no.

PreventionGenetics, part of Exact Sciences
Classification: Likely benign for ITGB3-related condition. Last evaluated: 2024-08-26. Review status: no assertion criteria provided. Collection method: clinical testing. Allele origin: germline. Not counted in ClinVar's aggregate classification.
Comment: This variant is classified as likely benign based on ACMG/AMP sequence variant interpretation guidelines (Richards et al. 2015 PMID: 25741868, with internal and published modifications).